The following is an entry in ClinVar:

ClinVar aggregate classification (germline): Uncertain significance. Review status: criteria provided, multiple submitters, no conflicts (2 of 4 stars). 3 submissions from 3 submitters: Uncertain significance (3). Last evaluated 2025-10-21.

Conditions:
Inborn genetic diseases. Identifiers: MedGen C0950123, MeSH D030342.

Allele frequency attached by ClinVar (database versions not stated): ExAC 0.00002; gnomAD 0.00003; TOPMed 0.00003.
gnomAD v4.1: 82 of 1,613,810 alleles (0.0051%); highest among the groups gnomAD compares: Non-Finnish European, 0.0064%; no homozygotes.

Submissions (3):

Ambry Genetics
Classification: Uncertain significance for Inborn genetic diseases. Last evaluated: 2025-10-21. Review status: criteria provided, single submitter. Criteria: Ambry Variant Classification Scheme 2023. Collection method: clinical testing. Allele origin: germline.

Blueprint Genetics
Classification: Uncertain significance. Last evaluated: 2024-05-28. Review status: criteria provided, single submitter. Criteria: ACMG Guidelines, 2015. Collection method: clinical testing. Allele origin: germline.

Labcorp Genetics (formerly Invitae), Labcorp
Classification: Uncertain significance. Last evaluated: 2023-12-07. Review status: criteria provided, single submitter. Criteria: Invitae Variant Classification Sherloc (09022015). Collection method: clinical testing. Allele origin: germline.
Comment: This sequence change replaces glycine, which is neutral and non-polar, with arginine, which is basic and polar, at codon 1814 of the KIAA1549 protein (p.Gly1814Arg). This variant is present in population databases (rs747209602, gnomAD 0.004%). This variant has not been reported in the literature in individuals affected with KIAA1549-related conditions. ClinVar contains an entry for this variant (Variation ID: 1918794). An algorithm developed to predict the effect of missense changes on protein structure and function (PolyPhen-2) suggests that this variant is likely to be disruptive. In summary, the available evidence is currently insufficient to determine the role of this variant in disease. Therefore, it has been classified as a Variant of Uncertain Significance.

NM_001164665.2(KIAA1549):c.5440G>A (p.Gly1814Arg)

Gene: KIAA1549 (KIAA1549; minus strand). Cytogenetic location: 7q34.
Variant type: single nucleotide variant.
Coding change: c.5440G>A on transcript NM_001164665.2 (MANE Select); coding-DNA position 5440, G replaced by A.
Protein change: p.Gly1814Arg; replaces glycine 1814 with arginine.
Molecular consequence: missense variant.
Genome position (GRCh38, 1-based): chr7:138,844,329, C>T on the plus strand (G>A on the coding strand, the complement: KIAA1549 is on the minus strand). VCF-style: chr7-138844329-C-T. GRCh37 (hg19) VCF-style: chr7-138529074-C-T.
Other names: c.5440G>A (NM_001164665.1); c.5440G>A, p.Gly1814Arg (NM_020910.3); short protein forms G1814R.
Identifiers: ClinVar variation 1918794 (VCV001918794.7), dbSNP rs747209602, ClinGen allele CA4505558.
Genomic context (GRCh38, chr7:138,844,329, plus strand): 5'-AGTAAATGTCCCGTAGCTCAGAAATGGAAGCTAAACAGCCACATATACCTGTGGTACCCC[C>T]GACAGGCCGAGGCCGGGCCACCGACGGCATCTCCTCCGAGTAGATCCCTCTGGCAGCAAA-3'
Protein context (NP_001158137.1, residues 1804-1824): MPSVARPRPV[Gly1814Arg]GTTGSQIQHL